The following is an entry in ClinVar:

ClinVar aggregate classification (germline): Conflicting classifications of pathogenicity. Review status: criteria provided, conflicting classifications (1 of 4 stars). 2 submissions from 2 submitters: Uncertain significance (1); Likely benign (1). Last evaluated 2025-10-03.

Conditions:
Primary ciliary dyskinesia. Also called: Ciliary dyskinesia. Identifiers: Orphanet 244, MedGen C0008780, MONDO:0016575, HP:0012265.

Allele frequency attached by ClinVar (database versions not stated): ESP Exome Variant Server 0.00008; gnomAD 0.00006; TOPMed 0.00007.
gnomAD v4.1: 93 of 1,608,966 alleles (0.0058%); highest among the groups gnomAD compares: Non-Finnish European, 0.0073%; 1 homozygote.

Submissions (2):

Labcorp Genetics (formerly Invitae), Labcorp
Classification: Uncertain significance for Primary ciliary dyskinesia. Last evaluated: 2025-10-03. Review status: criteria provided, single submitter. Criteria: Invitae Variant Classification Sherloc (09022015). Collection method: clinical testing. Allele origin: germline.
Comment: This sequence change replaces isoleucine, which is neutral and non-polar, with valine, which is neutral and non-polar, at codon 2918 of the DNAH8 protein (p.Ile2918Val). This variant is present in population databases (rs148193715, gnomAD 0.01%). This variant has not been reported in the literature in individuals affected with DNAH8-related conditions. ClinVar contains an entry for this variant (Variation ID: 647807). Invitae Evidence Modeling of protein sequence and biophysical properties (such as structural, functional, and spatial information, amino acid conservation, physicochemical variation, residue mobility, and thermodynamic stability) indicates that this missense variant is not expected to disrupt DNAH8 protein function with a negative predictive value of 80%. In summary, the available evidence is currently insufficient to determine the role of this variant in disease. Therefore, it has been classified as a Variant of Uncertain Significance.

Ambry Genetics
Classification: Likely benign. Last evaluated: 2023-02-01. Review status: criteria provided, single submitter. Criteria: Ambry Variant Classification Scheme 2023. Collection method: clinical testing. Allele origin: germline.

NM_001206927.2(DNAH8):c.8752A>G (p.Ile2918Val)

Gene: DNAH8 (dynein axonemal heavy chain 8; plus strand). Cytogenetic location: 6p21.2.
Variant type: single nucleotide variant.
Coding change: c.8752A>G on transcript NM_001206927.2 (MANE Select); coding-DNA position 8752, A replaced by G.
Protein change: p.Ile2918Val; replaces isoleucine 2918 with valine.
Molecular consequence: missense variant.
Genome position (GRCh38, 1-based): chr6:38,896,037, A>G. VCF-style: chr6-38896037-A-G. GRCh37 (hg19) VCF-style: chr6-38863813-A-G.
Other names: c.8101A>G, p.Ile2701Val (NM_001371.4); short protein forms I2918V, I2701V.
Identifiers: ClinVar variation 647807 (VCV000647807.9), dbSNP rs148193715, ClinGen allele CA3790308.
Genomic context (GRCh38, chr6:38,896,037, plus strand): 5'-CAGTTAGAAAAGATGCTTTCATATTTAACATTCTTACTACTACATTTTCCTTTCAGATTT[A>G]TAACTCCTGAAGATGAGCAGTGGTTTAATGCACATCTTACTCGTGCAGTTGAAGAAAATA-3'
Protein context (NP_001193856.1, residues 2908-2928): ECSRVIADRF[Ile2918Val]TPEDEQWFNA